The following is an entry in ClinVar:

NM_182758.4(WDR72):c.857+9A>C

Gene: WDR72 (WD repeat domain 72; minus strand). Cytogenetic location: 15q21.3.
Variant type: single nucleotide variant.
Coding change: c.857+9A>C on transcript NM_182758.4 (MANE Select); 9 bases into the intron after coding-DNA position 857, A replaced by C.
Molecular consequence: intron variant.
Genome position (GRCh38, 1-based): chr15:53,711,327, T>G on the plus strand (A>C on the coding strand, the complement: WDR72 is on the minus strand). VCF-style: chr15-53711327-T-G. GRCh37 (hg19) VCF-style: chr15-54003524-T-G.
Other names: p.?.
Identifiers: ClinVar variation 887956 (VCV000887956.7), dbSNP rs139139066, ClinGen allele CA7571302.
Genomic context (GRCh38, chr15:53,711,327, plus strand): 5'-TCCATAATAAACCTCCCAAAGTTCATTTTCTACCTGAATGTTTTGTATGCCGCTCCCATC[T>G]GAGCCCACCTGTTCAGCAGCTGATAGATGTAACTGTGACCATCTTCTGTCCAGATGAGGA-3'

ClinVar aggregate classification (germline): Benign/Likely benign. Review status: criteria provided, multiple submitters, no conflicts (2 of 4 stars). 4 submissions from 4 submitters: Benign (1); Likely benign (3). Last evaluated 2023-01-18.

Conditions:
Amelogenesis imperfecta hypomaturation type 2A3. Also called: Amelogenesis imperfecta, type IIA3. Identifiers: Orphanet 88661, MedGen C2750771, MONDO:0013181, OMIM 613211. Disease mechanism: loss of function.

Allele frequency attached by ClinVar (database versions not stated): 1000 Genomes Project 30x 0.00609; 1000 Genomes Project 0.00679; ExAC 0.00903; TOPMed 0.00940; ESP Exome Variant Server 0.00948; gnomAD exomes 0.00952; gnomAD 0.00959 and 0.00974.
gnomAD v4.1: 17,996 of 1,614,170 alleles (1.1%); highest among the groups gnomAD compares: Non-Finnish European, 1.3%; 109 homozygotes.

Submissions (4):

Mayo Clinic Laboratories, Mayo Clinic
Classification: Benign. Last evaluated: 2023-01-18. Review status: criteria provided, single submitter. Criteria: ACMG Guidelines, 2015. Collection method: clinical testing. Allele origin: germline. Observed: 5 variant alleles.
Comment: BS1, BS2, BP4, BP7

Fulgent Genetics
Classification: Likely benign for Amelogenesis imperfecta hypomaturation type 2A3. Last evaluated: 2021-08-24. Review status: criteria provided, single submitter. Criteria: ACMG Guidelines, 2015. Collection method: clinical testing. Allele origin: unknown.

Illumina Laboratory Services, Illumina
Classification: Likely benign for Amelogenesis imperfecta hypomaturation type 2A3. Last evaluated: 2018-01-13. Review status: criteria provided, single submitter. Criteria: ICSL Variant Classification Criteria 13 December 2019. Collection method: clinical testing. Allele origin: germline.
Comment: This variant was observed in the ICSL laboratory as part of a predisposition screen in an ostensibly healthy population. It had not been previously curated by ICSL or reported in the Human Gene Mutation Database (HGMD: prior to June 1st, 2018), and was therefore a candidate for classification through an automated scoring system. Utilizing variant allele frequency, disease prevalence and penetrance estimates, and inheritance mode, an automated score was calculated to assess if this variant is too frequent to cause the disease. Based on the score and internal cut-off values, a variant classified as likely benign is not then subjected to further curation. The score for this variant resulted in a classification of likely benign for this disease.

Breakthrough Genomics
Classification: Likely benign. Review status: criteria provided, single submitter. Criteria: ACMG Guidelines, 2015. Collection method: not provided. Allele origin: germline. Inheritance: Autosomal recessive inheritance. Affected: yes.